The following is an entry in ClinVar:

ClinVar aggregate classification (germline): Uncertain significance (1 of 4 stars; one submission).

Conditions:
Ehlers-Danlos syndrome, type 4 (EDSVASC). Also called: Ehlers-Danlos syndrome vascular type; Ehlers Danlos syndrome, ecchymotic type; Ehlers Danlos syndrome, arterial type; Ehlers Danlos syndrome, Sack-Barabas type; Ehlers-Danlos Syndrome Type IV. Identifiers: Orphanet 286, MedGen C0268338, MONDO:0017314, OMIM 130050.

Submission:

Labcorp Genetics (formerly Invitae), Labcorp
Classification: Uncertain significance for Ehlers-Danlos syndrome, type 4. Last evaluated: 2025-09-10. Review status: criteria provided, single submitter. Criteria: Invitae Variant Classification Sherloc (09022015). Collection method: clinical testing. Allele origin: germline.
Comment: This sequence change replaces alanine, which is neutral and non-polar, with valine, which is neutral and non-polar, at codon 959 of the COL3A1 protein (p.Ala959Val). This variant is not present in population databases (gnomAD no frequency). This variant has not been reported in the literature in individuals affected with COL3A1-related conditions. ClinVar contains an entry for this variant (Variation ID: 1354664). Invitae Evidence Modeling of protein sequence and biophysical properties (such as structural, functional, and spatial information, amino acid conservation, physicochemical variation, residue mobility, and thermodynamic stability) indicates that this missense variant is not expected to disrupt COL3A1 protein function with a negative predictive value of 95%. Algorithms developed to predict the effect of sequence changes on RNA splicing suggest that this variant may disrupt the consensus splice site. In summary, the available evidence is currently insufficient to determine the role of this variant in disease. Therefore, it has been classified as a Variant of Uncertain Significance.

NM_000090.4(COL3A1):c.2876C>T (p.Ala959Val)

Gene: COL3A1 (collagen type III alpha 1 chain; plus strand). Cytogenetic location: 2q32.2.
Variant type: single nucleotide variant.
Coding change: c.2876C>T on transcript NM_000090.4 (MANE Select); coding-DNA position 2876, C replaced by T.
Protein change: p.Ala959Val; replaces alanine 959 with valine.
Molecular consequence: missense variant.
Genome position (GRCh38, 1-based): chr2:189,004,309, C>T. VCF-style: chr2-189004309-C-T. GRCh37 (hg19) VCF-style: chr2-189869035-C-T.
Other names: short protein forms A959V.
Identifiers: ClinVar variation 1354664 (VCV001354664.6), dbSNP rs2153503530, ClinGen allele CA349844554.